The following is an entry in ClinVar:

ClinVar aggregate classification (germline): Likely benign (1 of 4 stars; one submission).

gnomAD v4.1: 1 of 1,377,844 alleles (0.000073%); no homozygotes.

Submission:

GeneDx
Classification: Likely benign. Last evaluated: 2017-09-22. Review status: criteria provided, single submitter. Criteria: GeneDx Variant Classification (06012015). Collection method: clinical testing. Allele origin: germline. Affected: yes.
Comment: This variant is considered likely benign or benign based on one or more of the following criteria: it is a conservative change, it occurs at a poorly conserved position in the protein, it is predicted to be benign by multiple in silico algorithms, and/or has population frequency not consistent with disease.

NM_003098.3(SNTA1):c.141C>T (p.Gly47=)

Genes: SNTA1 (syntrophin alpha 1; minus strand), LOC130065680 (ATAC-STARR-seq lymphoblastoid silent region 12812; plus strand). Cytogenetic location: 20q11.21.
Variant type: single nucleotide variant.
Coding change: c.141C>T on transcript NM_003098.3 (MANE Select); coding-DNA position 141, C replaced by T.
Protein change: p.Gly47=; no amino-acid change (glycine 47 retained).
Molecular consequence: synonymous variant.
Genome position (GRCh38, 1-based): chr20:33,443,480, G>A on the plus strand (C>T on the coding strand, the complement: SNTA1 is on the minus strand). VCF-style: chr20-33443480-G-A. GRCh37 (hg19) VCF-style: chr20-32031286-G-A.
Identifiers: ClinVar variation 506619 (VCV000506619.1), dbSNP rs1555822165, ClinGen allele CA510470576.
Genomic context (GRCh38, chr20:33,443,480, plus strand): 5'-GGCGCCGTTGAGCTGCGCGGGCTCCTGCTCCCGCGGAGCGCCGGGCTCGGGACCAGGGTC[G>A]CCGTCGGCGGGGCTCACGGTCAGCACGTCCTCCGCCAGACTCAGCAGCACCCGCTGCCAT-3'
Protein context (NP_003089.1, residues 37-57): EDVLTVSPAD[Gly47=]DPGPEPGAPR